The following is an entry in ClinVar:

NM_004599.4(SREBF2):c.2767G>A (p.Ala923Thr)

Gene: SREBF2 (sterol regulatory element binding transcription factor 2; plus strand). Cytogenetic location: 22q13.2.
Variant type: single nucleotide variant.
Coding change: c.2767G>A on transcript NM_004599.4 (MANE Select); coding-DNA position 2767, G replaced by A.
Protein change: p.Ala923Thr; replaces alanine 923 with threonine.
Molecular consequence: missense variant. On other transcripts: non-coding transcript variant (1).
Genome position (GRCh38, 1-based): chr22:41,900,358, G>A. VCF-style: chr22-41900358-G-A. GRCh37 (hg19) VCF-style: chr22-42296362-G-A.
Other names: short protein forms A923T.
Identifiers: ClinVar variation 3349322 (VCV003349322.1).
Genomic context (GRCh38, chr22:41,900,358, plus strand): 5'-ACCTGCCTCTCGACTCCCTGTCACTGCTGCAGGAGCCCCCTGGTGAAGGCCATCTTCCAT[G>A]CCTGCAGAGCCATGCATGCCTCACTCCCTGGGAAAGCAGATGGGCAGCAGAGTTCCTTCT-3'
Protein context (NP_004590.2, residues 913-933): ESPLVKAIFH[Ala923Thr]CRAMHASLPG

ClinVar aggregate classification (germline): Uncertain significance (0 of 4 stars; one submission).

Conditions:
SREBF2-related disorder. Also called: SREBF2-related condiiton.

gnomAD v4.1: 2 of 1,613,606 alleles (0.00012%); highest among the groups gnomAD compares: South Asian, 0.0022%; no homozygotes.

Submission:

PreventionGenetics, part of Exact Sciences
Classification: Uncertain significance for SREBF2-related condition. Last evaluated: 2024-03-14. Review status: no assertion criteria provided. Collection method: clinical testing. Allele origin: germline.
Comment: The SREBF2 c.2767G>A variant is predicted to result in the amino acid substitution p.Ala923Thr. To our knowledge, this variant has not been reported in the literature or in a large population database, indicating this variant is rare. At this time, the clinical significance of this variant is uncertain due to the absence of conclusive functional and genetic evidence.